The following is an entry in ClinVar:

NM_001015877.2(PHF6):c.821G>A (p.Arg274Gln)

Gene: PHF6 (PHD finger protein 6; plus strand). Cytogenetic location: Xq26.2.
Variant type: single nucleotide variant.
Coding change: c.821G>A on transcript NM_001015877.2 (MANE Select); coding-DNA position 821, G replaced by A.
Protein change: p.Arg274Gln; replaces arginine 274 with glutamine.
Molecular consequence: missense variant.
Genome position (GRCh38, 1-based): chrX:134,415,107, G>A. VCF-style: chrX-134415107-G-A. GRCh37 (hg19) VCF-style: chrX-133549137-G-A.
Other names: c.824G>A, p.Arg275Gln (NM_032335.3); c.821G>A, p.Arg274Gln (NM_032458.3); short protein forms R274Q, R275Q.
Identifiers: ClinVar variation 4891338 (VCV004891338.1).

ClinVar aggregate classification (germline): Uncertain significance (1 of 4 stars; one submission).

Submission:

GeneDx
Classification: Uncertain significance. Last evaluated: 2026-03-06. Review status: criteria provided, single submitter. Criteria: GeneDx Variant Classification Process June 2021. Collection method: clinical testing. Allele origin: germline.
Comment: In silico analysis suggests that this missense variant does not alter protein structure/function; Not observed at significant frequency in large population cohorts (gnomAD); This variant is associated with the following publications: (PMID: 35503477)